The following is an entry in ClinVar:

ClinVar aggregate classification (germline): Conflicting classifications of pathogenicity. Review status: criteria provided, conflicting classifications (1 of 4 stars). 6 submissions from 6 submitters: Pathogenic (1); Likely pathogenic (3); Uncertain significance (1). 1 of the submissions does not count toward it. Last evaluated 2025-12-16.

Conditions:
CNGB1-related disorder. Also called: CNGB1-related condition.
Retinal dystrophy. Also called: Inherited retinal dystrophy. Identifiers: Orphanet 71862, MedGen C0854723, MeSH D058499, MONDO:0019118, HP:0000556.
Retinitis pigmentosa (RP). Identifiers: Orphanet 791, MedGen C0035334, MeSH D012174, MONDO:0019200, OMIM 268000. Inheritance: Autosomal dominant, autosomal recessive and X linked inheritance.
Retinitis pigmentosa 45 (RP45). Identifiers: Orphanet 791, MedGen C3151066, MONDO:0013413, OMIM 613767.

Allele frequency attached by ClinVar (database versions not stated): gnomAD exomes below 0.00001; gnomAD 0.00001; TOPMed 0.00001.
gnomAD v4.1: 6 of 1,613,940 alleles (0.00037%); highest among the groups gnomAD compares: Middle Eastern, 0.033%; no homozygotes.

Submissions (6):

Victorian Clinical Genetics Services, Murdoch Childrens Research Institute
Classification: Likely pathogenic for Retinitis pigmentosa 45. Last evaluated: 2025-12-16. Review status: criteria provided, single submitter. Criteria: ACMG Guidelines, 2015. Collection method: clinical testing. Allele origin: germline. Affected: yes.
Comment: This variant is classified as Likely pathogenic. Evidence in support of pathogenic classification: Variant is present in gnomAD <0.01 for a recessive condition (v4: 6 heterozygote(s), 0 homozygote(s)); This variant has strong previous evidence of pathogenicity in unrelated individuals. It has been classified as VUS and likely pathogenic by clinical laboratories in ClinVar, and reported the literature in multiple individuals with inherited retinal diseases including retinitis pigmentosa (PMIDs: 29706639, 31456290, 33847019, 38576124, 39462066). Additional information: Variant is predicted to result in a missense amino acid change from Glu to Lys; This variant is homozygous; This gene is associated with autosomal recessive disease; Alternative amino acid change(s) at the same position are present in gnomAD (highest allele count: v4: 1 heterozygote(s), 0 homozygote(s)); No published evidence of segregation with disease has been identified for this variant; No published functional evidence has been identified for this variant; No comparable missense variants have previous evidence for pathogenicity; Variant is located in the annotated ion transport domain (DECIPHER); Missense variant with inconclusive in silico prediction and/or uninformative conservation; Loss of function is a known mechanism of disease in this gene and is associated with retinitis pigmentosa 45 (MIM#613767); Inheritance information for this variant is not currently available in this individual.

Labcorp Genetics (formerly Invitae), Labcorp
Classification: Likely pathogenic. Last evaluated: 2025-01-18. Review status: criteria provided, single submitter. Criteria: Invitae Variant Classification Sherloc (09022015). Collection method: clinical testing. Allele origin: germline.
Comment: This sequence change replaces glutamic acid, which is acidic and polar, with lysine, which is basic and polar, at codon 774 of the CNGB1 protein (p.Glu774Lys). This variant is not present in population databases (gnomAD no frequency). This missense change has been observed in individuals with clinical features of retinitis pigmentosa (PMID: 31456290, 33847019; internal data). ClinVar contains an entry for this variant (Variation ID: 812285). Invitae Evidence Modeling of protein sequence and biophysical properties (such as structural, functional, and spatial information, amino acid conservation, physicochemical variation, residue mobility, and thermodynamic stability) has been performed for this missense variant. However, the output from this modeling did not meet the statistical confidence thresholds required to predict the impact of this variant on CNGB1 protein function. In summary, the currently available evidence indicates that the variant is pathogenic, but additional data are needed to prove that conclusively. Therefore, this variant has been classified as Likely Pathogenic.

Blueprint Genetics
Classification: Pathogenic for CNGB1-related disorders. Last evaluated: 2024-07-15. Review status: criteria provided, single submitter. Criteria: ACMG Guidelines, 2015. Collection method: clinical testing. Allele origin: germline. Affected: yes. Observed: 5 variant alleles.

Women's Health and Genetics/Laboratory Corporation of America, LabCorp
Classification: Uncertain significance. Last evaluated: 2023-08-15. Review status: criteria provided, single submitter. Criteria: LabCorp Variant Classification Summary - May 2015. Collection method: clinical testing. Allele origin: germline.
Comment: Variant summary: CNGB1 c.2320G>A (p.Glu774Lys) results in a conservative amino acid change in the encoded protein sequence. Three of five in-silico tools predict a benign effect of the variant on protein function. The variant allele was found at a frequency of 4e-06 in 249434 control chromosomes (gnomAD). c.2320G>A has been reported in the literature in individuals affected with Retinitis Pigmentosa or rod-cone dystrophy (Sharon_2020, Nassisi_2021). These data indicate that the variant may be associated with disease. To our knowledge, no experimental evidence demonstrating an impact on protein function has been reported. The following publications have been ascertained in the context of this evaluation (PMID: 31456290, 33847019). Two submitters have cited clinical-significance assessments for this variant to ClinVar after 2014. Both submitters classified the variant as pathogenic/likely pathogenic. Based on the evidence outlined above, the variant was classified as VUS-possibly pathogenic.

Institute of Human Genetics, Univ. Regensburg, Univ. Regensburg
Classification: Likely pathogenic for Retinal dystrophy. Last evaluated: 2021-01-01. Review status: criteria provided, single submitter. Criteria: ACMG Guidelines, 2015. Collection method: clinical testing. Allele origin: germline. Affected: yes.

Sharon lab, Hadassah-Hebrew University Medical Center
Classification: Pathogenic for Retinitis pigmentosa. Last evaluated: 2019-06-23. Review status: no assertion criteria provided. Collection method: research. Allele origin: inherited. Affected: yes. Not counted in ClinVar's aggregate classification.

Literature cited by the submitters: PubMed 39462066 (cited by Victorian Clinical Genetics Services, Murdoch Childrens Research Institute); PubMed 29706639 (cited by Victorian Clinical Genetics Services, Murdoch Childrens Research Institute); PubMed 33847019 (cited by 3 submitters); PubMed 31456290 (cited by 4 submitters); PubMed 38576124 (cited by Victorian Clinical Genetics Services, Murdoch Childrens Research Institute); PubMed 3384701 (cited by Institute of Human Genetics, Univ. Regensburg, Univ. Regensburg).

NM_001297.5(CNGB1):c.2320G>A (p.Glu774Lys)

Gene: CNGB1 (cyclic nucleotide gated channel subunit beta 1; minus strand). Cytogenetic location: 16q21.
Variant type: single nucleotide variant.
Coding change: c.2320G>A on transcript NM_001297.5 (MANE Select); coding-DNA position 2320, G replaced by A.
Protein change: p.Glu774Lys; replaces glutamic acid 774 with lysine.
Molecular consequence: missense variant.
Genome position (GRCh38, 1-based): chr16:57,912,979, C>T on the plus strand (G>A on the coding strand, the complement: CNGB1 is on the minus strand). VCF-style: chr16-57912979-C-T. GRCh37 (hg19) VCF-style: chr16-57946883-C-T.
Other names: c.2302G>A, p.Glu768Lys (NM_001286130.2); short protein forms E774K, E768K.
Identifiers: ClinVar variation 812285 (VCV000812285.13), dbSNP rs1286857064, ClinGen allele CA396061674.